The following is an entry in ClinVar:

ClinVar aggregate classification (germline): Uncertain significance. Review status: criteria provided, multiple submitters, no conflicts (2 of 4 stars). 2 submissions from 2 submitters: Uncertain significance (2). Last evaluated 2023-02-16.

Submissions (2):

Labcorp Genetics (formerly Invitae), Labcorp
Classification: Uncertain significance. Last evaluated: 2023-02-16. Review status: criteria provided, single submitter. Criteria: Invitae Variant Classification Sherloc (09022015). Collection method: clinical testing. Allele origin: germline.
Comment: In summary, the available evidence is currently insufficient to determine the role of this variant in disease. Therefore, it has been classified as a Variant of Uncertain Significance. Advanced modeling of protein sequence and biophysical properties (such as structural, functional, and spatial information, amino acid conservation, physicochemical variation, residue mobility, and thermodynamic stability) performed at Invitae indicates that this missense variant is expected to disrupt KMT2C protein function. ClinVar contains an entry for this variant (Variation ID: 1313955). This variant has not been reported in the literature in individuals affected with KMT2C-related conditions. This variant is not present in population databases (gnomAD no frequency). This sequence change replaces leucine, which is neutral and non-polar, with phenylalanine, which is neutral and non-polar, at codon 2099 of the KMT2C protein (p.Leu2099Phe).

GeneDx
Classification: Uncertain significance. Last evaluated: 2021-01-13. Review status: criteria provided, single submitter. Criteria: GeneDx Variant Classification Process June 2021. Collection method: clinical testing. Allele origin: germline. Affected: yes.
Comment: Not observed in large population cohorts (Lek et al., 2016); In silico analysis supports that this missense variant has a deleterious effect on protein structure/function; Has not been previously published as pathogenic or benign to our knowledge

NM_170606.3(KMT2C):c.6295C>T (p.Leu2099Phe)

Gene: KMT2C (lysine methyltransferase 2C; minus strand). Cytogenetic location: 7q36.1.
Variant type: single nucleotide variant.
Coding change: c.6295C>T on transcript NM_170606.3 (MANE Select); coding-DNA position 6295, C replaced by T.
Protein change: p.Leu2099Phe; replaces leucine 2099 with phenylalanine.
Molecular consequence: missense variant.
Genome position (GRCh38, 1-based): chr7:152,181,565, G>A on the plus strand (C>T on the coding strand, the complement: KMT2C is on the minus strand). VCF-style: chr7-152181565-G-A. GRCh37 (hg19) VCF-style: chr7-151878650-G-A.
Other names: short protein forms L2099F.
Identifiers: ClinVar variation 1313955 (VCV001313955.6), dbSNP rs2129120080, ClinGen allele CA370095496.